The following is an entry in ClinVar:

NM_001128840.3(CACNA1D):c.1428dup (p.Glu477fs)

Gene: CACNA1D (calcium voltage-gated channel subunit alpha1 D; plus strand). Cytogenetic location: 3p21.1.
Variant type: Duplication.
Coding change: c.1428dup on transcript NM_001128840.3 (MANE Select); coding-DNA position 1428, one base duplicated (A; older notation c.1428dupA).
Protein change: p.Glu477fs; shifts the reading frame from glutamic acid 477.
Molecular consequence: frameshift variant.
Genome position (GRCh38, 1-based): chr3:53,718,338, A duplicated. VCF-style (leftmost placement, unchanged base first): chr3-53718337-C-CA. GRCh37 (hg19) VCF-style: chr3-53752364-C-CA.
Other names: c.1428dup, p.Glu477fs (NM_000720.4, NM_001128839.3); short protein forms E477fs.
Identifiers: ClinVar variation 4693159 (VCV004693159.1).

ClinVar aggregate classification (germline): Uncertain significance (1 of 4 stars; one submission).

Submission:

Labcorp Genetics (formerly Invitae), Labcorp
Classification: Uncertain significance. Last evaluated: 2025-11-12. Review status: criteria provided, single submitter. Criteria: Invitae Variant Classification Sherloc (09022015). Collection method: clinical testing. Allele origin: germline.
Comment: This sequence change creates a premature translational stop signal (p.Glu477Argfs*6) in the CACNA1D gene. It is expected to result in an absent or disrupted protein product. However, the current clinical and genetic evidence is not sufficient to establish whether loss-of-function variants in CACNA1D cause disease. This variant is not present in population databases (gnomAD no frequency). This variant has not been reported in the literature in individuals affected with CACNA1D-related conditions. In summary, the available evidence is currently insufficient to determine the role of this variant in disease. Therefore, it has been classified as a Variant of Uncertain Significance.